The following is an entry in ClinVar:

NM_005689.4(ABCB6):c.412A>G (p.Met138Val)

Gene: ABCB6 (ATP binding cassette subfamily B member 6 (LAN blood group); minus strand). Cytogenetic location: 2q35.
Variant type: single nucleotide variant.
Coding change: c.412A>G on transcript NM_005689.4 (MANE Select); coding-DNA position 412, A replaced by G.
Protein change: p.Met138Val; replaces methionine 138 with valine.
Molecular consequence: missense variant.
Genome position (GRCh38, 1-based): chr2:219,218,262, T>C on the plus strand (A>G on the coding strand, the complement: ABCB6 is on the minus strand). VCF-style: chr2-219218262-T-C. GRCh37 (hg19) VCF-style: chr2-220082984-T-C.
Other names: p.Met138Val; c.412A>G, p.Met138Val (NM_001349828.2); short protein forms M138V.
Identifiers: ClinVar variation 2200720 (VCV002200720.5), dbSNP rs201622894, ClinGen allele CA2119755.

ClinVar aggregate classification (germline): Uncertain significance. Review status: criteria provided, multiple submitters, no conflicts (2 of 4 stars). 2 submissions from 2 submitters: Uncertain significance (2). Last evaluated 2025-03-04.

Allele frequency attached by ClinVar (database versions not stated): gnomAD 0.00006; TOPMed 0.00006; ExAC 0.00007; 1000 Genomes Project 30x 0.00016; 1000 Genomes Project 0.00020.

Submissions (2):

Mayo Clinic Laboratories, Mayo Clinic
Classification: Uncertain significance. Last evaluated: 2025-03-04. Review status: criteria provided, single submitter. Criteria: ACMG Guidelines, 2015. Collection method: clinical testing. Allele origin: germline. Observed: 1 variant allele.
Comment: BP4_moderate

Labcorp Genetics (formerly Invitae), Labcorp
Classification: Uncertain significance. Last evaluated: 2023-04-05. Review status: criteria provided, single submitter. Criteria: Invitae Variant Classification Sherloc (09022015). Collection method: clinical testing. Allele origin: germline.
Comment: This sequence change replaces methionine, which is neutral and non-polar, with valine, which is neutral and non-polar, at codon 138 of the ABCB6 protein (p.Met138Val). This variant is present in population databases (rs201622894, gnomAD 0.1%), and has an allele count higher than expected for a pathogenic variant. This variant has not been reported in the literature in individuals affected with ABCB6-related conditions. ClinVar contains an entry for this variant (Variation ID: 2200720). An algorithm developed to predict the effect of missense changes on protein structure and function (PolyPhen-2) suggests that this variant is likely to be tolerated. In summary, the available evidence is currently insufficient to determine the role of this variant in disease. Therefore, it has been classified as a Variant of Uncertain Significance.